The following is an entry in ClinVar:

NM_001754.5(RUNX1):c.650G>C (p.Gly217Ala)

Gene: RUNX1 (RUNX family transcription factor 1; minus strand). Cytogenetic location: 21q22.12.
Variant type: single nucleotide variant.
Coding change: c.650G>C on transcript NM_001754.5 (MANE Select); coding-DNA position 650, G replaced by C.
Protein change: p.Gly217Ala; replaces glycine 217 with alanine.
Molecular consequence: missense variant.
Genome position (GRCh38, 1-based): chr21:34,834,565, C>G on the plus strand (G>C on the coding strand, the complement: RUNX1 is on the minus strand). VCF-style: chr21-34834565-C-G. GRCh37 (hg19) VCF-style: chr21-36206862-C-G.
Other names: NM_001754.4(RUNX1):c.650G>C; p.Gly217Ala; c.569G>C, p.Gly190Ala (NM_001001890.3, NM_001122607.2); short protein forms G217A, G190A.
Identifiers: ClinVar variation 574330 (VCV000574330.12), dbSNP rs1372473921, ClinGen allele CA410207042.

ClinVar aggregate classification (germline): Uncertain significance. Review status: reviewed by expert panel (3 of 4 stars). 3 submissions from 3 submitters: Uncertain significance (1). 2 of the submissions do not count toward it. Last evaluated 2022-07-08.

Conditions:
Inborn genetic diseases. Identifiers: MedGen C0950123, MeSH D030342.
Hereditary thrombocytopenia and hematologic cancer predisposition syndrome. Identifiers: Orphanet 71290, MedGen CN281654, MONDO:0011071.
Hereditary thrombocytopenia and hematological cancer predisposition syndrome associated with RUNX1. Also called: Familial Platelet Disorder with Propensity to Acute Myelogenous Leukemia; Familial thrombocytopenia with propensity to acute myelogenous leukemia; PLATELET DISORDER, ASPIRIN-LIKE; RUNX1 Familial Platelet Disorder with Associated Myeloid Malignancies. Identifiers: Orphanet 71290, MedGen C1832388, MeSH C563324, MONDO:0100083, OMIM 601399.

Allele frequency attached by ClinVar (database versions not stated): gnomAD exomes below 0.00001.
gnomAD v4.1: 2 of 1,612,300 alleles (0.00012%); highest among the groups gnomAD compares: Non-Finnish European, 0.00017%; no homozygotes.

Submissions (3):

ClinGen Myeloid Malignancy Variant Curation Expert Panel
Classification: Uncertain significance for Hereditary thrombocytopenia and hematologic cancer predisposition syndrome. Last evaluated: 2022-07-08. Review status: reviewed by expert panel. Criteria: ClinGen MyeloMalig ACMG Specifications v2. Collection method: curation. Allele origin: germline. Inheritance: Autosomal dominant inheritance.
Comment: The NM_001754.5(RUNX1):c.650G>C (p.Gly217Ala) variant is completely absent from all population databases with at least 20x coverage for RUNX1 (PM2). It has not been reported in patients with familial platelet disorder with predisposition to hematologic malignancies in the literature, to the best of our knowledge. This missense variant has a REVEL score of 0.562 and does not meet criteria for PP3 (≥0.88) or BP4 (≤0.50). In summary, the clinical significance of this variant is uncertain. ACMG/AMP criteria applied, as specified by the Myeloid Malignancy Variant Curation Expert Panel for RUNX1: PM2_supporting.

Ambry Genetics
Classification: Uncertain significance for Inborn genetic diseases. Last evaluated: 2025-11-15. Review status: criteria provided, single submitter. Criteria: Ambry Variant Classification Scheme 2023. Collection method: clinical testing. Allele origin: germline. Not counted in ClinVar's aggregate classification.
Comment: The p.G217A variant (also known as c.650G>C), located in coding exon 6 of the RUNX1 gene, results from a G to C substitution at nucleotide position 650. The glycine at codon 217 is replaced by alanine, an amino acid with similar properties. This amino acid position is conserved. In addition, the in silico prediction for this alteration is inconclusive. Based on the available evidence, the clinical significance of this variant remains unclear.

Labcorp Genetics (formerly Invitae), Labcorp
Classification: Uncertain significance for Hereditary thrombocytopenia and hematological cancer predisposition syndrome associated with RUNX1. Last evaluated: 2025-02-19. Review status: criteria provided, single submitter. Criteria: Invitae Variant Classification Sherloc (09022015). Collection method: clinical testing. Allele origin: germline. Not counted in ClinVar's aggregate classification.
Comment: This sequence change replaces glycine, which is neutral and non-polar, with alanine, which is neutral and non-polar, at codon 217 of the RUNX1 protein (p.Gly217Ala). This variant is not present in population databases (gnomAD no frequency). This variant has not been reported in the literature in individuals affected with RUNX1-related conditions. ClinVar contains an entry for this variant (Variation ID: 574330). Invitae Evidence Modeling of protein sequence and biophysical properties (such as structural, functional, and spatial information, amino acid conservation, physicochemical variation, residue mobility, and thermodynamic stability) has been performed for this missense variant. However, the output from this modeling did not meet the statistical confidence thresholds required to predict the impact of this variant on RUNX1 protein function. In summary, the available evidence is currently insufficient to determine the role of this variant in disease. Therefore, it has been classified as a Variant of Uncertain Significance.